The following is an entry in ClinVar:

NM_001007553.3(CSDE1):c.1291A>G (p.Thr431Ala)

Gene: CSDE1 (cold shock domain containing E1; minus strand). Cytogenetic location: 1p13.2.
Variant type: single nucleotide variant.
Coding change: c.1291A>G on transcript NM_001007553.3 (MANE Select); coding-DNA position 1291, A replaced by G.
Protein change: p.Thr431Ala; replaces threonine 431 with alanine.
Molecular consequence: missense variant.
Genome position (GRCh38, 1-based): chr1:114,730,323, T>C on the plus strand (A>G on the coding strand, the complement: CSDE1 is on the minus strand). VCF-style: chr1-114730323-T-C. GRCh37 (hg19) VCF-style: chr1-115272944-T-C.
Other names: c.1336A>G, p.Thr446Ala (NM_001130523.3); c.1429A>G, p.Thr477Ala (NM_001242891.2); c.1291A>G, p.Thr431Ala (NM_001242892.2); c.1198A>G, p.Thr400Ala (NM_001242893.2, NM_007158.6); short protein forms T431A, T446A, T477A, T400A.
Identifiers: ClinVar variation 1904593 (VCV001904593.5), dbSNP rs1235124042, ClinGen allele CA341754061.

ClinVar aggregate classification (germline): Uncertain significance (1 of 4 stars; one submission).

gnomAD v4.1: 1 of 1,614,232 alleles (0.000062%); highest among the groups gnomAD compares: Admixed American, 0.0017%; no homozygotes.

Submission:

Labcorp Genetics (formerly Invitae), Labcorp
Classification: Uncertain significance. Last evaluated: 2022-01-11. Review status: criteria provided, single submitter. Criteria: Invitae Variant Classification Sherloc (09022015). Collection method: clinical testing. Allele origin: germline.
Comment: This sequence change replaces threonine, which is neutral and polar, with alanine, which is neutral and non-polar, at codon 446 of the CSDE1 protein (p.Thr446Ala). This variant has not been reported in the literature in individuals affected with CSDE1-related conditions. Algorithms developed to predict the effect of missense changes on protein structure and function (SIFT, PolyPhen-2, Align-GVGD) all suggest that this variant is likely to be tolerated. In summary, the available evidence is currently insufficient to determine the role of this variant in disease. Therefore, it has been classified as a Variant of Uncertain Significance. This variant is present in population databases (no rsID available, gnomAD 0.003%).